The following is an entry in ClinVar:

NM_001352514.2(HLCS):c.1874C>T (p.Thr625Met)

Gene: HLCS (holocarboxylase synthetase; minus strand). Cytogenetic location: 21q22.13.
Variant type: single nucleotide variant.
Coding change: c.1874C>T on transcript NM_001352514.2 (MANE Select); coding-DNA position 1874, C replaced by T.
Protein change: p.Thr625Met; replaces threonine 625 with methionine.
Molecular consequence: missense variant. On other transcripts: non-coding transcript variant (2).
Genome position (GRCh38, 1-based): chr21:36,896,878, G>A on the plus strand (C>T on the coding strand, the complement: HLCS is on the minus strand). VCF-style: chr21-36896878-G-A. GRCh37 (hg19) VCF-style: chr21-38269178-G-A.
Other names: c.1433C>T, p.Thr478Met (NM_000411.8, NM_001242784.3, NM_001242785.2 and 4 more transcripts); short protein forms T625M, T478M.
Identifiers: ClinVar variation 4526222 (VCV004526222.1).

ClinVar aggregate classification (germline): Uncertain significance (1 of 4 stars; one submission).

gnomAD v4.1: 8 of 1,613,996 alleles (0.0005%); highest among the groups gnomAD compares: African/African-American, 0.004%; no homozygotes.

Submission:

Women's Health and Genetics/Laboratory Corporation of America, LabCorp
Classification: Uncertain significance. Last evaluated: 2025-07-24. Review status: criteria provided, single submitter. Criteria: LabCorp Variant Classification Summary - May 2015. Collection method: clinical testing. Allele origin: germline.
Comment: Variant summary: HLCS c.1433C>T (p.Thr478Met) results in a non-conservative amino acid change in the encoded protein sequence. Algorithms developed to predict the effect of missense changes on protein structure and function all suggest that this variant is likely to be disruptive. The variant allele was found at a frequency of 4e-06 in 251368 control chromosomes. The available data on variant occurrences in the general population are insufficient to allow any conclusion about variant significance. c.1433C>T has been observed in an individual affected with Holocarboxylase Synthetase Deficiency (Ling_2023). These report(s) do not provide unequivocal conclusions about association of the variant with Holocarboxylase Synthetase Deficiency. To our knowledge, no experimental evidence demonstrating an impact on protein function has been reported. The following publication have been ascertained in the context of this evaluation (PMID: 36890565). No submitters have cited clinical-significance assessments for this variant to ClinVar. Based on the evidence outlined above, the variant was classified as uncertain significance.

Literature cited by the submitters: PubMed 36890565.